The following is an entry in ClinVar:

NM_005876.5(SPEG):c.8768A>T (p.Glu2923Val)

Genes: ASIC4-AS1 (ASIC4 antisense RNA 1; minus strand), SPEG (striated muscle enriched protein kinase; plus strand). Cytogenetic location: 2q35.
Variant type: single nucleotide variant.
Coding change: c.8768A>T on transcript NM_005876.5 (MANE Select); coding-DNA position 8768, A replaced by T.
Protein change: p.Glu2923Val; replaces glutamic acid 2923 with valine.
Molecular consequence: missense variant.
Genome position (GRCh38, 1-based): chr2:219,489,786, A>T. VCF-style: chr2-219489786-A-T. GRCh37 (hg19) VCF-style: chr2-220354508-A-T.
Other names: short protein forms E2923V.
Identifiers: ClinVar variation 1350640 (VCV001350640.8), dbSNP rs1188869161, ClinGen allele CA350712551.

ClinVar aggregate classification (germline): Uncertain significance (1 of 4 stars; one submission).

Allele frequency attached by ClinVar (database versions not stated): TOPMed 0.00001; gnomAD 0.00002 and 0.00003.
gnomAD v4.1: 4 of 1,613,426 alleles (0.00025%); highest among the groups gnomAD compares: Admixed American, 0.0067%; no homozygotes.

Submission:

Labcorp Genetics (formerly Invitae), Labcorp
Classification: Uncertain significance. Last evaluated: 2025-08-18. Review status: criteria provided, single submitter. Criteria: Invitae Variant Classification Sherloc (09022015). Collection method: clinical testing. Allele origin: germline.
Comment: This sequence change replaces glutamic acid, which is acidic and polar, with valine, which is neutral and non-polar, at codon 2923 of the SPEG protein (p.Glu2923Val). This variant is not present in population databases (gnomAD no frequency). This variant has not been reported in the literature in individuals affected with SPEG-related conditions. ClinVar contains an entry for this variant (Variation ID: 1350640). An algorithm developed to predict the effect of missense changes on protein structure and function (PolyPhen-2) suggests that this variant is likely to be tolerated. In summary, the available evidence is currently insufficient to determine the role of this variant in disease. Therefore, it has been classified as a Variant of Uncertain Significance.